The following is an entry in ClinVar:

NM_001283009.2(RTEL1):c.1964G>C (p.Arg655Pro)

Genes: RTEL1 (regulator of telomere elongation helicase 1; plus strand), RTEL1-TNFRSF6B (RTEL1-TNFRSF6B readthrough (NMD candidate); plus strand). Cytogenetic location: 20q13.33.
Variant type: single nucleotide variant.
Coding change: c.1964G>C on transcript NM_001283009.2 (MANE Select); coding-DNA position 1964, G replaced by C.
Protein change: p.Arg655Pro; replaces arginine 655 with proline.
Molecular consequence: missense variant. On other transcripts: non-coding transcript variant (1).
Genome position (GRCh38, 1-based): chr20:63,689,587, G>C. VCF-style: chr20-63689587-G-C. GRCh37 (hg19) VCF-style: chr20-62320940-G-C.
Other names: c.1295G>C, p.Arg432Pro (NM_001283010.1); c.1964G>C, p.Arg655Pro (NM_016434.4); c.2036G>C, p.Arg679Pro (NM_032957.5); short protein forms R679P, R432P, R655P.
Identifiers: ClinVar variation 3790982 (VCV003790982.1).

ClinVar aggregate classification (germline): Uncertain significance (1 of 4 stars; one submission).

Conditions:
Inborn genetic diseases. Identifiers: MedGen C0950123, MeSH D030342.

gnomAD v4.1: 1 of 1,612,386 alleles (0.000062%); highest among the groups gnomAD compares: Non-Finnish European, 0.000085%; no homozygotes.

Submission:

Ambry Genetics
Classification: Uncertain significance for Inborn genetic diseases. Last evaluated: 2024-12-17. Review status: criteria provided, single submitter. Criteria: Ambry Variant Classification Scheme 2023. Collection method: clinical testing. Allele origin: germline.
Comment: The p.R655P variant (also known as c.1964G>C), located in coding exon 22 of the RTEL1 gene, results from a G to C substitution at nucleotide position 1964. The arginine at codon 655 is replaced by proline, an amino acid with dissimilar properties. This amino acid position is conserved. In addition, this alteration is predicted to be deleterious by in silico analysis. Based on the available evidence, the clinical significance of this variant remains unclear.